The following is an entry in ClinVar:

ClinVar aggregate classification (germline): Uncertain significance. Review status: criteria provided, multiple submitters, no conflicts (2 of 4 stars). 2 submissions from 2 submitters: Uncertain significance (2). Last evaluated 2024-08-30.

gnomAD v4.1: 1 of 1,550,286 alleles (0.000065%); highest among the groups gnomAD compares: South Asian, 0.0012%; no homozygotes.

Submissions (2):

GeneDx
Classification: Uncertain significance. Last evaluated: 2024-08-30. Review status: criteria provided, single submitter. Criteria: GeneDx Variant Classification Process June 2021. Collection method: clinical testing. Allele origin: germline. Affected: yes.
Comment: Not observed at significant frequency in large population cohorts (gnomAD); In silico analysis indicates that this missense variant does not alter protein structure/function; Has not been previously published as pathogenic or benign to our knowledge

Blueprint Genetics
Classification: Uncertain significance. Last evaluated: 2019-06-24. Review status: criteria provided, single submitter. Criteria: ACMG Guidelines, 2015. Collection method: clinical testing. Allele origin: germline.

NM_000260.4(MYO7A):c.5237G>A (p.Ser1746Asn)

Gene: MYO7A (myosin VIIA; plus strand). Cytogenetic location: 11q13.5.
Variant type: single nucleotide variant.
Coding change: c.5237G>A on transcript NM_000260.4 (MANE Select); coding-DNA position 5237, G replaced by A.
Protein change: p.Ser1746Asn; replaces serine 1746 with asparagine.
Molecular consequence: missense variant.
Genome position (GRCh38, 1-based): chr11:77,203,128, G>A. VCF-style: chr11-77203128-G-A. GRCh37 (hg19) VCF-style: chr11-76914173-G-A.
Other names: c.5123G>A, p.Ser1708Asn (NM_001127180.2); c.5090G>A, p.Ser1697Asn (NM_001369365.1); short protein forms S1697N, S1708N, S1746N.
Identifiers: ClinVar variation 3765999 (VCV003765999.2).